The following is an entry in ClinVar:

NM_005228.5(EGFR):c.1670A>G (p.Gln557Arg)

Gene: EGFR (epidermal growth factor receptor; plus strand). Cytogenetic location: 7p11.2.
Variant type: single nucleotide variant.
Coding change: c.1670A>G on transcript NM_005228.5 (MANE Select); coding-DNA position 1670, A replaced by G.
Protein change: p.Gln557Arg; replaces glutamine 557 with arginine.
Molecular consequence: missense variant.
Genome position (GRCh38, 1-based): chr7:55,163,771, A>G. VCF-style: chr7-55163771-A-G. GRCh37 (hg19) VCF-style: chr7-55231464-A-G.
Other names: c.1670A>G (NM_005228.3); c.1535A>G, p.Gln512Arg (NM_001346897.2, NM_001346899.2); c.1670A>G, p.Gln557Arg (NM_001346898.2, NM_201282.2, NM_201284.2); c.1511A>G, p.Gln504Arg (NM_001346900.2); c.869A>G, p.Gln290Arg (NM_001346941.2); short protein forms Q290R, Q504R, Q512R, Q557R.
Identifiers: ClinVar variation 1002493 (VCV001002493.9), dbSNP rs1785821299, ClinGen allele CA367580485.

ClinVar aggregate classification (germline): Uncertain significance. Review status: criteria provided, multiple submitters, no conflicts (2 of 4 stars). 2 submissions from 2 submitters: Uncertain significance (2). Last evaluated 2026-02-22.

Conditions:
EGFR-related lung cancer (EGFR). Identifiers: MedGen CN130014.
Hereditary cancer-predisposing syndrome. Also called: Hereditary Cancer Syndrome; Neoplastic Syndromes, Hereditary; Tumor predisposition; Hereditary neoplastic syndrome. Identifiers: Orphanet 140162, MedGen C0027672, MeSH D009386, MONDO:0015356.

Allele frequency attached by ClinVar (database versions not stated): gnomAD exomes below 0.00001.
gnomAD v4.1: 1 of 1,614,226 alleles (0.000062%); highest among the groups gnomAD compares: South Asian, 0.0011%; no homozygotes.

Submissions (2):

Ambry Genetics
Classification: Uncertain significance for Hereditary cancer-predisposing syndrome. Last evaluated: 2026-02-22. Review status: criteria provided, single submitter. Criteria: Ambry Variant Classification Scheme 2023. Collection method: clinical testing. Allele origin: germline.
Comment: The p.Q557R variant (also known as c.1670A>G), located in coding exon 14 of the EGFR gene, results from an A to G substitution at nucleotide position 1670. The glutamine at codon 557 is replaced by arginine, an amino acid with highly similar properties. This amino acid position is conserved. In addition, this alteration is predicted to be tolerated by in silico analysis. Based on the available evidence, the clinical significance of this variant remains unclear.

Labcorp Genetics (formerly Invitae), Labcorp
Classification: Uncertain significance for EGFR-related lung cancer. Last evaluated: 2024-08-05. Review status: criteria provided, single submitter. Criteria: Invitae Variant Classification Sherloc (09022015). Collection method: clinical testing. Allele origin: germline.
Comment: This sequence change replaces glutamine, which is neutral and polar, with arginine, which is basic and polar, at codon 557 of the EGFR protein (p.Gln557Arg). This variant is not present in population databases (gnomAD no frequency). This variant has not been reported in the literature in individuals affected with EGFR-related conditions. ClinVar contains an entry for this variant (Variation ID: 1002493). Advanced modeling of protein sequence and biophysical properties (such as structural, functional, and spatial information, amino acid conservation, physicochemical variation, residue mobility, and thermodynamic stability) performed at Invitae indicates that this missense variant is not expected to disrupt EGFR protein function with a negative predictive value of 80%. In summary, the available evidence is currently insufficient to determine the role of this variant in disease. Therefore, it has been classified as a Variant of Uncertain Significance.